The following is an entry in ClinVar:

ClinVar aggregate classification (germline): Uncertain significance. Review status: criteria provided, multiple submitters, no conflicts (2 of 4 stars). 2 submissions from 2 submitters: Uncertain significance (2). Last evaluated 2025-03-20.

Conditions:
Inborn genetic diseases. Identifiers: MedGen C0950123, MeSH D030342.

Allele frequency attached by ClinVar (database versions not stated): ExAC 0.00003; gnomAD exomes 0.00004 and 0.00009; gnomAD 0.00005; ESP Exome Variant Server 0.00008.

Submissions (2):

Ambry Genetics
Classification: Uncertain significance for Inborn genetic diseases. Last evaluated: 2025-03-20. Review status: criteria provided, single submitter. Criteria: Ambry Variant Classification Scheme 2023. Collection method: clinical testing. Allele origin: germline.

Labcorp Genetics (formerly Invitae), Labcorp
Classification: Uncertain significance. Last evaluated: 2024-11-22. Review status: criteria provided, single submitter. Criteria: Invitae Variant Classification Sherloc (09022015). Collection method: clinical testing. Allele origin: germline.
Comment: This sequence change replaces serine, which is neutral and polar, with leucine, which is neutral and non-polar, at codon 95 of the CAPN5 protein (p.Ser95Leu). This variant is present in population databases (rs374434959, gnomAD 0.008%). This variant has not been reported in the literature in individuals affected with CAPN5-related conditions. ClinVar contains an entry for this variant (Variation ID: 1410803). Invitae Evidence Modeling of protein sequence and biophysical properties (such as structural, functional, and spatial information, amino acid conservation, physicochemical variation, residue mobility, and thermodynamic stability) indicates that this missense variant is not expected to disrupt CAPN5 protein function with a negative predictive value of 80%. In summary, the available evidence is currently insufficient to determine the role of this variant in disease. Therefore, it has been classified as a Variant of Uncertain Significance.

NM_004055.5(CAPN5):c.284C>T (p.Ser95Leu)

Gene: CAPN5 (calpain 5; plus strand). Cytogenetic location: 11q13.5.
Variant type: single nucleotide variant.
Coding change: c.284C>T on transcript NM_004055.5 (MANE Select); coding-DNA position 284, C replaced by T.
Protein change: p.Ser95Leu; replaces serine 95 with leucine.
Molecular consequence: missense variant.
Genome position (GRCh38, 1-based): chr11:77,093,800, C>T. VCF-style: chr11-77093800-C-T. GRCh37 (hg19) VCF-style: chr11-76804846-C-T.
Other names: c.284C>T (NM_004055.4); short protein forms S95L.
Identifiers: ClinVar variation 1410803 (VCV001410803.9), dbSNP rs374434959, ClinGen allele CA6196220.